The following is an entry in ClinVar:

ClinVar aggregate classification (germline): Uncertain significance. Review status: criteria provided, multiple submitters, no conflicts (2 of 4 stars). 2 submissions from 2 submitters: Uncertain significance (2). Last evaluated 2026-06-25.

Conditions:
Inborn genetic diseases. Identifiers: MedGen C0950123, MeSH D030342.
Joubert syndrome 17 (JBTS17). Identifiers: Orphanet 475, MedGen C3553264, MONDO:0013824, OMIM 614615.

Allele frequency attached by ClinVar (database versions not stated): gnomAD 0.00001; TOPMed below 0.00001; gnomAD exomes below 0.00001.
gnomAD v4.1: 4 of 1,608,598 alleles (0.00025%); highest among the groups gnomAD compares: Non-Finnish European, 0.00034%; no homozygotes.

Submissions (2):

Ambry Genetics
Classification: Uncertain significance for Inborn genetic diseases. Last evaluated: 2026-06-25. Review status: criteria provided, single submitter. Criteria: Ambry Variant Classification Scheme 2023. Collection method: clinical testing. Allele origin: germline.
Comment: The c.5422-12G>A intronic alteration consists of a G to A substitution 12 nucleotides before exon 27 (coding exon 26) of the CPLANE1 gene. This variant was not reported in population-based cohorts in the Genome Aggregation Database (gnomAD). This nucleotide position is well conserved in available vertebrate species. In silico splice site analysis predicts that this alteration will weaken the native splice acceptor site. Based on insufficient or conflicting evidence, the clinical significance of this alteration remains unclear.

Illumina Laboratory Services, Illumina
Classification: Uncertain significance for Joubert syndrome 17. Last evaluated: 2018-01-13. Review status: criteria provided, single submitter. Criteria: ICSL Variant Classification Criteria 13 December 2019. Collection method: clinical testing. Allele origin: germline.

NM_001384732.1(CPLANE1):c.5422-12G>A

Gene: CPLANE1 (ciliogenesis and planar polarity effector complex subunit 1; minus strand). Cytogenetic location: 5p13.2.
Variant type: single nucleotide variant.
Coding change: c.5422-12G>A on transcript NM_001384732.1 (MANE Select); 12 bases into the intron before coding-DNA position 5422, G replaced by A.
Molecular consequence: intron variant.
Genome position (GRCh38, 1-based): chr5:37,181,017, C>T on the plus strand (G>A on the coding strand, the complement: CPLANE1 is on the minus strand). VCF-style: chr5-37181017-C-T. GRCh37 (hg19) VCF-style: chr5-37181119-C-T.
Other names: c.5422-12G>A (NM_023073.4).
Identifiers: ClinVar variation 906878 (VCV000906878.5), dbSNP rs1561517509, ClinGen allele CA1075121141.